The following is an entry in ClinVar:

ClinVar aggregate classification (germline): Benign. Review status: criteria provided, single submitter (1 of 4 stars). 2 submissions from 2 submitters: Benign (1). 1 of the submissions does not count toward it. Last evaluated 2023-10-13.

Conditions:
PPP1R12A-related disorder. Also called: PPP1R12A-related condition.

Allele frequency attached by ClinVar (database versions not stated): ESP Exome Variant Server 0.00009; TOPMed 0.00023; gnomAD 0.00050; ExAC 0.00052.
gnomAD v4.1: 597 of 1,548,518 alleles (0.039%); highest among the groups gnomAD compares: Non-Finnish European, 0.03%; no homozygotes.

Submissions (2):

Labcorp Genetics (formerly Invitae), Labcorp
Classification: Benign. Last evaluated: 2023-10-13. Review status: criteria provided, single submitter. Criteria: Invitae Variant Classification Sherloc (09022015). Collection method: clinical testing. Allele origin: germline.

PreventionGenetics, part of Exact Sciences
Classification: Likely benign for PPP1R12A-related condition. Last evaluated: 2022-09-01. Review status: no assertion criteria provided. Collection method: clinical testing. Allele origin: germline. Not counted in ClinVar's aggregate classification.
Comment: This variant is classified as likely benign based on ACMG/AMP sequence variant interpretation guidelines (Richards et al. 2015 PMID: 25741868, with internal and published modifications).

NM_002480.3(PPP1R12A):c.1568G>A (p.Arg523Gln)

Gene: PPP1R12A (protein phosphatase 1 regulatory subunit 12A; minus strand). Cytogenetic location: 12q21.2.
Variant type: single nucleotide variant.
Coding change: c.1568G>A on transcript NM_002480.3 (MANE Select); coding-DNA position 1568, G replaced by A.
Protein change: p.Arg523Gln; replaces arginine 523 with glutamine.
Molecular consequence: missense variant.
Genome position (GRCh38, 1-based): chr12:79,807,313, C>T on the plus strand (G>A on the coding strand, the complement: PPP1R12A is on the minus strand). VCF-style: chr12-79807313-C-T. GRCh37 (hg19) VCF-style: chr12-80201093-C-T.
Other names: c.1568G>A, p.Arg523Gln (NM_001143885.2, NM_001244990.2, NM_001244992.1); c.1307G>A, p.Arg436Gln (NM_001143886.2); c.1568G>A (NM_002480.2); short protein forms R436Q, R523Q.
Identifiers: ClinVar variation 2758921 (VCV002758921.5), dbSNP rs202164787, ClinGen allele CA6699642.